The following is an entry in ClinVar:

NM_021005.4(NR2F2):c.301A>G (p.Ser101Gly)

Gene: NR2F2 (nuclear receptor subfamily 2 group F member 2; plus strand). Cytogenetic location: 15q26.2.
Variant type: single nucleotide variant.
Coding change: c.301A>G on transcript NM_021005.4 (MANE Select); coding-DNA position 301, A replaced by G.
Protein change: p.Ser101Gly; replaces serine 101 with glycine.
Molecular consequence: missense variant. On other transcripts: intron variant (1).
Genome position (GRCh38, 1-based): chr15:96,332,406, A>G. VCF-style: chr15-96332406-A-G. GRCh37 (hg19) VCF-style: chr15-96875635-A-G.
Other names: c.44-1670A>G (NM_001145155.2); short protein forms S101G.
Identifiers: ClinVar variation 2662617 (VCV002662617.1), dbSNP rs2505770062, ClinGen allele CA393930053.

ClinVar aggregate classification (germline): Uncertain significance (1 of 4 stars; one submission).

Submission:

GeneDx
Classification: Uncertain significance. Last evaluated: 2023-05-18. Review status: criteria provided, single submitter. Criteria: GeneDx Variant Classification Process June 2021. Collection method: clinical testing. Allele origin: germline. Affected: yes.
Comment: Not observed at significant frequency in large population cohorts (gnomAD); In silico analysis supports that this missense variant has a deleterious effect on protein structure/function; Has not been previously published as pathogenic or benign to our knowledge